The following is an entry in ClinVar:

ClinVar aggregate classification (germline): Uncertain significance. Review status: criteria provided, multiple submitters, no conflicts (2 of 4 stars). 2 submissions from 2 submitters: Uncertain significance (2). Last evaluated 2026-01-01.

Allele frequency attached by ClinVar (database versions not stated): gnomAD 0.00002; TOPMed 0.00002; ExAC 0.00002; gnomAD exomes 0.00001.
gnomAD v4.1: 22 of 1,613,830 alleles (0.0014%); highest among the groups gnomAD compares: African/African-American, 0.004%; no homozygotes.

Submissions (2):

Labcorp Genetics (formerly Invitae), Labcorp
Classification: Uncertain significance. Last evaluated: 2026-01-01. Review status: criteria provided, single submitter. Criteria: Invitae Variant Classification Sherloc (09022015). Collection method: clinical testing. Allele origin: germline.
Comment: This sequence change replaces threonine, which is neutral and polar, with alanine, which is neutral and non-polar, at codon 72 of the SLC12A6 protein (p.Thr72Ala). This variant is present in population databases (rs767457252, gnomAD 0.003%). This variant has not been reported in the literature in individuals affected with SLC12A6-related conditions. ClinVar contains an entry for this variant (Variation ID: 2435973). Invitae Evidence Modeling of protein sequence and biophysical properties (such as structural, functional, and spatial information, amino acid conservation, physicochemical variation, residue mobility, and thermodynamic stability) indicates that this missense variant is not expected to disrupt SLC12A6 protein function with a negative predictive value of 95%. In summary, the available evidence is currently insufficient to determine the role of this variant in disease. Therefore, it has been classified as a Variant of Uncertain Significance.

Revvity Omics, Revvity
Classification: Uncertain significance. Last evaluated: 2020-09-08. Review status: criteria provided, single submitter. Criteria: ACMG Guidelines, 2015. Collection method: clinical testing. Allele origin: germline.

NM_001365088.1(SLC12A6):c.214A>G (p.Thr72Ala)

Gene: SLC12A6 (solute carrier family 12 member 6; minus strand). Cytogenetic location: 15q14.
Variant type: single nucleotide variant.
Coding change: c.214A>G on transcript NM_001365088.1 (MANE Select); coding-DNA position 214, A replaced by G.
Protein change: p.Thr72Ala; replaces threonine 72 with alanine.
Molecular consequence: missense variant.
Genome position (GRCh38, 1-based): chr15:34,336,467, T>C on the plus strand (A>G on the coding strand, the complement: SLC12A6 is on the minus strand). VCF-style: chr15-34336467-T-C. GRCh37 (hg19) VCF-style: chr15-34628668-T-C.
Other names: c.37A>G, p.Thr13Ala (NM_001042494.2, NM_001042495.2); c.187A>G, p.Thr63Ala (NM_001042496.2); c.214A>G, p.Thr72Ala (NM_001042497.2, NM_133647.2); short protein forms T13A, T63A, T72A.
Identifiers: ClinVar variation 2435973 (VCV002435973.5), dbSNP rs767457252, ClinGen allele CA7464698.